The following is an entry in ClinVar:

NM_000132.4(F8):c.1501G>A (p.Asp501Asn)

Gene: F8 (coagulation factor VIII; minus strand). Cytogenetic location: Xq28.
Variant type: single nucleotide variant.
Coding change: c.1501G>A on transcript NM_000132.4 (MANE Select); coding-DNA position 1501, G replaced by A.
Protein change: p.Asp501Asn; replaces aspartic acid 501 with asparagine.
Molecular consequence: missense variant.
Genome position (GRCh38, 1-based): chrX:154,961,111, C>T on the plus strand (G>A on the coding strand, the complement: F8 is on the minus strand). VCF-style: chrX-154961111-C-T. GRCh37 (hg19) VCF-style: chrX-154189386-C-T.
Other names: short protein forms D501N.
Identifiers: ClinVar variation 1050196 (VCV001050196.1), dbSNP rs147200025, ClinGen allele CA10568448.

ClinVar aggregate classification (germline): Uncertain significance (0 of 4 stars; one submission).

Allele frequency attached by ClinVar (database versions not stated): gnomAD exomes 0.00001 and 0.00002; ExAC 0.00002; ESP Exome Variant Server 0.00009; TOPMed 0.00011; gnomAD 0.00013.
gnomAD v4.1: 24 of 1,202,492 alleles (0.002%); highest among the groups gnomAD compares: African/African-American, 0.042%; no homozygotes.

Submission:

Department of Pathology and Laboratory Medicine, Sinai Health System
Classification: Uncertain significance. Review status: no assertion criteria provided. Collection method: clinical testing. Allele origin: unknown. Affected: yes. Study: The Canadian Open Genetics Repository (COGR).
Comment: The F8 p.Asp501Asn variant was not identified in the literature nor was it identified in ClinVar, Cosmic or LOVD 3.0. The variant was identified in dbSNP (ID: rs147200025) and in control databases in 5 of 205141 chromosomes at a frequency of 0.000024 (Genome Aggregation Database Feb 27, 2017). The variant was observed in the African population in 5 of 19054 chromosomes (freq: 0.0002624), while the variant was not observed in the Latino, Ashkenazi Jewish, East Asian, European (Finnish), European (non-Finnish), Other or South Asian populations. The p.Asp501 residue is not conserved in mammals and computational analyses (PolyPhen-2, SIFT, AlignGVGD, BLOSUM, MutationTaster) do not suggest a high likelihood of impact to the protein; however, this information is not predictive enough to rule out pathogenicity. The variant occurs outside of the splicing consensus sequence and in silico or computational prediction software programs (SpliceSiteFinder, MaxEntScan, NNSPLICE, GeneSplicer) do not predict a difference in splicing. In summary, based on the above information the clinical significance of this variant cannot be determined with certainty at this time. This variant is classified as a variant of uncertain significance.